The following is an entry in ClinVar:

ClinVar aggregate classification (germline): Uncertain significance (1 of 4 stars; one submission).

Conditions:
Generalized epilepsy with febrile seizures plus, type 7 (GEFSP7). Also called: GEFS+, TYPE 7. Identifiers: Orphanet 36387, MedGen C2751778, MONDO:0013470, OMIM 613863.
Neuropathy, hereditary sensory and autonomic, type 2A (HSAN2A). Also called: ACROOSTEOLYSIS, GIACCAI TYPE; ACROOSTEOLYSIS, NEUROGENIC; WNK1-Related HSAN2 (HSAN2A); MORVAN DISEASE; NEUROPATHY, CONGENITAL SENSORY; HSAN IIA. Identifiers: Orphanet 970, MedGen C2752089, MONDO:0024309, OMIM 201300.

gnomAD v4.1: 5 of 1,613,376 alleles (0.00031%); highest among the groups gnomAD compares: East Asian, 0.0089%; no homozygotes.

Submission:

Labcorp Genetics (formerly Invitae), Labcorp
Classification: Uncertain significance for Neuropathy, hereditary sensory and autonomic, type 2A; Generalized epilepsy with febrile seizures plus, type 7. Last evaluated: 2022-07-12. Review status: criteria provided, single submitter. Criteria: Invitae Variant Classification Sherloc (09022015). Collection method: clinical testing. Allele origin: germline.
Comment: This variant has not been reported in the literature in individuals affected with SCN9A-related conditions. This sequence change replaces aspartic acid, which is acidic and polar, with glycine, which is neutral and non-polar, at codon 667 of the SCN9A protein (p.Asp667Gly). This variant is not present in population databases (gnomAD no frequency). Algorithms developed to predict the effect of missense changes on protein structure and function (SIFT, PolyPhen-2, Align-GVGD) all suggest that this variant is likely to be tolerated. Algorithms developed to predict the effect of sequence changes on RNA splicing suggest that this variant may create or strengthen a splice site. In summary, the available evidence is currently insufficient to determine the role of this variant in disease. Therefore, it has been classified as a Variant of Uncertain Significance.

NM_001365536.1(SCN9A):c.2033A>G (p.Asp678Gly)

Genes: SCN1A-AS1 (SCN1A and SCN9A antisense RNA 1; plus strand), SCN9A (sodium voltage-gated channel alpha subunit 9; minus strand). Cytogenetic location: 2q24.3.
Variant type: single nucleotide variant.
Coding change: c.2033A>G on transcript NM_001365536.1 (MANE Select); coding-DNA position 2033, A replaced by G.
Protein change: p.Asp678Gly; replaces aspartic acid 678 with glycine.
Molecular consequence: missense variant.
Genome position (GRCh38, 1-based): chr2:166,281,750, T>C on the plus strand (A>G on the coding strand, the complement: SCN9A is on the minus strand). VCF-style: chr2-166281750-T-C. GRCh37 (hg19) VCF-style: chr2-167138260-T-C.
Other names: c.2000A>G, p.Asp667Gly (NM_002977.4); short protein forms D667G, D678G.
Identifiers: ClinVar variation 2018121 (VCV002018121.4), dbSNP rs748699199, ClinGen allele CA349081150.